The following is an entry in ClinVar:

ClinVar aggregate classification (germline): Conflicting classifications of pathogenicity. Review status: criteria provided, conflicting classifications (1 of 4 stars). 3 submissions from 3 submitters: Uncertain significance (1); Benign (1); Likely benign (1). Last evaluated 2025-08-05.

Conditions:
Marfan syndrome (MFS). Also called: MARFAN SYNDROME, TYPE I; Marfan syndrome type 1; Marfan's syndrome; Marfan syndrome, classic; FBN1-Related Marfan Syndrome. Identifiers: Orphanet 284963, Orphanet 558, MedGen C0024796, MONDO:0007947, OMIM 154700.
Familial thoracic aortic aneurysm and aortic dissection (TAAD). Also called: Thoracic aortic aneurysms and dissections. Identifiers: Orphanet 91387, MedGen C4707243, MONDO:0019625.

Allele frequency attached by ClinVar (database versions not stated): TOPMed 0.00002; gnomAD 0.00003; ExAC 0.00002.
gnomAD v4.1: 13 of 1,613,984 alleles (0.00081%); highest among the groups gnomAD compares: African/African-American, 0.016%; no homozygotes.

Submissions (3):

Ambry Genetics
Classification: Benign for Familial thoracic aortic aneurysm and aortic dissection. Last evaluated: 2025-08-05. Review status: criteria provided, single submitter. Criteria: Ambry Variant Classification Scheme 2023. Collection method: clinical testing. Allele origin: germline.

Color Diagnostics, LLC DBA Color Health
Classification: Likely benign for Familial thoracic aortic aneurysm and aortic dissection. Last evaluated: 2025-04-11. Review status: criteria provided, single submitter. Criteria: ACMG Guidelines, 2015. Collection method: clinical testing. Allele origin: germline.

Labcorp Genetics (formerly Invitae), Labcorp
Classification: Uncertain significance for Marfan syndrome; Familial thoracic aortic aneurysm and aortic dissection. Last evaluated: 2024-12-16. Review status: criteria provided, single submitter. Criteria: Invitae Variant Classification Sherloc (09022015). Collection method: clinical testing. Allele origin: germline.
Comment: This sequence change falls in intron 16 of the FBN1 gene. It does not directly change the encoded amino acid sequence of the FBN1 protein. It affects a nucleotide within the consensus splice site. This variant is present in population databases (rs751388860, gnomAD 0.02%). This variant has not been reported in the literature in individuals affected with FBN1-related conditions. ClinVar contains an entry for this variant (Variation ID: 2195588). Variants that disrupt the consensus splice site are a relatively common cause of aberrant splicing (PMID: 17576681, 9536098). Algorithms developed to predict the effect of sequence changes on RNA splicing suggest that this variant may disrupt the consensus splice site. In summary, the available evidence is currently insufficient to determine the role of this variant in disease. Therefore, it has been classified as a Variant of Uncertain Significance.

Literature cited by the submitters: PubMed 17576681 (cited by Labcorp Genetics (formerly Invitae), Labcorp); PubMed 9536098 (cited by Labcorp Genetics (formerly Invitae), Labcorp).

NM_000138.5(FBN1):c.1961-3T>C

Gene: FBN1 (fibrillin 1; minus strand). Cytogenetic location: 15q21.1.
Variant type: single nucleotide variant.
Coding change: c.1961-3T>C on transcript NM_000138.5 (MANE Select); 3 bases into the intron before coding-DNA position 1961, T replaced by C.
Molecular consequence: intron variant.
Genome position (GRCh38, 1-based): chr15:48,503,942, A>G on the plus strand (T>C on the coding strand, the complement: FBN1 is on the minus strand). VCF-style: chr15-48503942-A-G. GRCh37 (hg19) VCF-style: chr15-48796139-A-G.
Other names: c.1961-3T>C (NM_000138.4).
Identifiers: ClinVar variation 2195588 (VCV002195588.6), dbSNP rs751388860, ClinGen allele CA046495.